The following is an entry in ClinVar:

ClinVar aggregate classification (germline): Benign (1 of 4 stars; one submission).

Allele frequency attached by ClinVar (database versions not stated): gnomAD 0.76558; TOPMed 0.79419; 1000 Genomes Project 0.80371; 1000 Genomes Project 30x 0.80562.

Submission:

GeneDx
Classification: Benign. Last evaluated: 2018-06-15. Review status: criteria provided, single submitter. Criteria: GeneDx Variant Classification (06012015). Collection method: clinical testing. Allele origin: germline. Affected: yes.
Comment: This variant is considered likely benign or benign based on one or more of the following criteria: it is a conservative change, it occurs at a poorly conserved position in the protein, it is predicted to be benign by multiple in silico algorithms, and/or has population frequency not consistent with disease.

NM_004006.3(DMD):c.9085-15286G>A

Gene: DMD (dystrophin; minus strand). Cytogenetic location: Xp21.2.
Variant type: single nucleotide variant.
Coding change: c.9085-15286G>A on transcript NM_004006.3 (MANE Select); 15286 bases into the intron before coding-DNA position 9085, G replaced by A.
Molecular consequence: intron variant.
Genome position (GRCh38, 1-based): chrX:31,363,920, C>T on the plus strand (G>A on the coding strand, the complement: DMD is on the minus strand). VCF-style: chrX-31363920-C-T. GRCh37 (hg19) VCF-style: chrX-31382037-C-T.
Other names: c.9061-15286G>A (NM_000109.4); c.5062-15286G>A (NM_004011.4); c.5053-15286G>A (NM_004012.4); c.1705-15286G>A (NM_004023.3, NM_004020.4, NM_004022.3 and 2 more transcripts); c.898-15286G>A (NM_004014.3); c.9073-15286G>A (NM_004009.3); c.8716-15286G>A (NM_004010.3).
Identifiers: ClinVar variation 678497 (VCV000678497.1), dbSNP rs6628597, ClinGen allele CA16014127.